The following is an entry in ClinVar:

NM_004239.4(TRIP11):c.589-2A>G

Gene: TRIP11 (thyroid hormone receptor interactor 11; minus strand). Cytogenetic location: 14q32.12.
Variant type: single nucleotide variant.
Coding change: c.589-2A>G on transcript NM_004239.4 (MANE Select); the canonical splice acceptor site of the intron before coding-DNA position 589, A replaced by G.
Molecular consequence: splice acceptor variant.
Genome position (GRCh38, 1-based): chr14:92,017,752, T>C on the plus strand (A>G on the coding strand, the complement: TRIP11 is on the minus strand). VCF-style: chr14-92017752-T-C. GRCh37 (hg19) VCF-style: chr14-92484096-T-C.
Other names: c.586-2A>G (NM_001321851.1).
Identifiers: ClinVar variation 4997536 (VCV004997536.1).

ClinVar aggregate classification (germline): Likely pathogenic (1 of 4 stars; one submission).

Conditions:
TRIP11-related disorder. Also called: TRIP11-Related Disorders; TRIP11-related condition.

gnomAD v4.1: 2 of 1,611,612 alleles (0.00012%); highest among the groups gnomAD compares: Non-Finnish European, 0.00017%; no homozygotes.

Submission:

PreventionGenetics, part of Exact Sciences
Classification: Likely pathogenic for TRIP11-related condition. Last evaluated: 2025-02-17. Review status: criteria provided, single submitter. Criteria: ACMG Guidelines, 2015. Collection method: clinical testing. Allele origin: germline.
Comment: The TRIP11 c.589-2A>G variant is predicted to disrupt the AG splice acceptor site and interfere with normal splicing. This variant was reported in an individual with achondrogenesis type 1A (Figure 5, Smits et al. 2010. PubMed ID: 20089971). This variant is not found in the ~250,000 alleles present in gnomAD. This variant is interpreted as likely pathogenic.